The following is an entry in ClinVar:

ClinVar aggregate classification (germline): Pathogenic (1 of 4 stars; one submission).

Submission:

Labcorp Genetics (formerly Invitae), Labcorp
Classification: Pathogenic. Last evaluated: 2024-01-19. Review status: criteria provided, single submitter. Criteria: Invitae Variant Classification Sherloc (09022015). Collection method: clinical testing. Allele origin: germline.
Comment: This sequence change creates a premature translational stop signal (p.Gly104*) in the CFI gene. It is expected to result in an absent or disrupted protein product. Loss-of-function variants in CFI are known to be pathogenic (PMID: 15917334, 16621965, 19065647, 20016463, 22710145). This variant is not present in population databases (gnomAD no frequency). This variant has not been reported in the literature in individuals affected with CFI-related conditions. For these reasons, this variant has been classified as Pathogenic.

Literature cited by the submitters: PubMed 15917334; PubMed 16621965; PubMed 19065647; PubMed 20016463; PubMed 22710145.

NM_000204.5(CFI):c.310G>T (p.Gly104Ter)

Gene: CFI (complement factor I; minus strand). Cytogenetic location: 4q25.
Variant type: single nucleotide variant.
Coding change: c.310G>T on transcript NM_000204.5 (MANE Select); coding-DNA position 310, G replaced by T.
Protein change: p.Gly104Ter; replaces glycine 104 with a stop codon.
Molecular consequence: nonsense. On other transcripts: non-coding transcript variant (3), intron variant (1).
Genome position (GRCh38, 1-based): chr4:109,766,572, C>A on the plus strand (G>T on the coding strand, the complement: CFI is on the minus strand). VCF-style: chr4-109766572-C-A. GRCh37 (hg19) VCF-style: chr4-110687728-C-A.
Other names: c.310G>T, p.Gly104Ter (NM_001318057.2, NM_001331035.2, NM_001375278.1 and 5 more transcripts); c.-127-4880G>T (NM_001375284.1); short protein forms G104*.
Identifiers: ClinVar variation 2744663 (VCV002744663.3), dbSNP rs200419722, ClinGen allele CA357864992.